The following is an entry in ClinVar:

NM_002524.5(NRAS):c.450G>C (p.Gln150His)

Gene: NRAS (NRAS proto-oncogene, GTPase; minus strand). Cytogenetic location: 1p13.2.
Variant type: single nucleotide variant.
Coding change: c.450G>C on transcript NM_002524.5 (MANE Select); coding-DNA position 450, G replaced by C.
Protein change: p.Gln150His; replaces glutamine 150 with histidine.
Molecular consequence: missense variant.
Genome position (GRCh38, 1-based): chr1:114,709,569, C>G on the plus strand (G>C on the coding strand, the complement: NRAS is on the minus strand). VCF-style: chr1-114709569-C-G. GRCh37 (hg19) VCF-style: chr1-115252190-C-G.
Other names: short protein forms Q150H.
Identifiers: ClinVar variation 2074072 (VCV002074072.4), dbSNP rs2101738596, ClinGen allele CA341739003.

ClinVar aggregate classification (germline): Uncertain significance (1 of 4 stars; one submission).

Conditions:
RASopathy. Also called: Noonan spectrum disorder; rasopathies. Identifiers: Orphanet 536391, MedGen C5555857, MONDO:0021060.

Submission:

Labcorp Genetics (formerly Invitae), Labcorp
Classification: Uncertain significance for RASopathy. Last evaluated: 2022-12-27. Review status: criteria provided, single submitter. Criteria: Invitae Variant Classification Sherloc (09022015). Collection method: clinical testing. Allele origin: germline.
Comment: Algorithms developed to predict the effect of missense changes on protein structure and function (SIFT, PolyPhen-2, Align-GVGD) all suggest that this variant is likely to be tolerated. This variant has not been reported in the literature in individuals affected with NRAS-related conditions. This variant is not present in population databases (gnomAD no frequency). This sequence change replaces glutamine, which is neutral and polar, with histidine, which is basic and polar, at codon 150 of the NRAS protein (p.Gln150His). This variant also falls at the last nucleotide of exon 4, which is part of the consensus splice site for this exon. Variants that disrupt the consensus splice site are a relatively common cause of aberrant splicing (PMID: 17576681, 9536098). Algorithms developed to predict the effect of sequence changes on RNA splicing suggest that this variant may create or strengthen a splice site. In summary, the available evidence is currently insufficient to determine the role of this variant in disease. Therefore, it has been classified as a Variant of Uncertain Significance.

Literature cited by the submitters: PubMed 17576681; PubMed 9536098.